The following is an entry in ClinVar:

ClinVar aggregate classification (germline): Conflicting classifications of pathogenicity. Review status: criteria provided, conflicting classifications (1 of 4 stars). 4 submissions from 4 submitters: Uncertain significance (3); Likely benign (1). Last evaluated 2026-03-13.

Conditions:
Inborn genetic diseases. Identifiers: MedGen C0950123, MeSH D030342.

Allele frequency attached by ClinVar (database versions not stated): gnomAD 0.00001.
gnomAD v4.1: 20 of 1,612,396 alleles (0.0012%); highest among the groups gnomAD compares: South Asian, 0.022%; no homozygotes.

Submissions (4):

GeneDx
Classification: Uncertain significance. Last evaluated: 2026-03-13. Review status: criteria provided, single submitter. Criteria: GeneDx Variant Classification Process June 2021. Collection method: clinical testing. Allele origin: germline.
Comment: In silico analysis suggests that this missense variant does not alter protein structure/function; Has not been previously published as pathogenic or benign to our knowledge

Blueprint Genetics
Classification: Likely benign. Last evaluated: 2023-10-27. Review status: criteria provided, single submitter. Criteria: ACMG Guidelines, 2015. Collection method: clinical testing. Allele origin: germline.

Ambry Genetics
Classification: Uncertain significance for Inborn genetic diseases. Last evaluated: 2022-03-16. Review status: criteria provided, single submitter. Criteria: Ambry Variant Classification Scheme 2023. Collection method: clinical testing. Allele origin: germline.

Labcorp Genetics (formerly Invitae), Labcorp
Classification: Uncertain significance. Last evaluated: 2021-05-06. Review status: criteria provided, single submitter. Criteria: Invitae Variant Classification Sherloc (09022015). Collection method: clinical testing. Allele origin: germline.
Comment: In summary, the available evidence is currently insufficient to determine the role of this variant in disease. Therefore, it has been classified as a Variant of Uncertain Significance. Algorithms developed to predict the effect of missense changes on protein structure and function output the following: SIFT: "Tolerated"; PolyPhen-2: "Benign"; Align-GVGD: "Class C0". The aspartic acid amino acid residue is found in multiple mammalian species, suggesting that this missense change does not adversely affect protein function. These predictions have not been confirmed by published functional studies and their clinical significance is uncertain. This variant has not been reported in the literature in individuals with TOPORS-related conditions. This variant is present in population databases (rs778408216, ExAC 0.02%). This sequence change replaces glutamic acid with aspartic acid at codon 17 of the TOPORS protein (p.Glu17Asp). The glutamic acid residue is moderately conserved and there is a small physicochemical difference between glutamic acid and aspartic acid.

NM_005802.5(TOPORS):c.51A>C (p.Glu17Asp)

Gene: TOPORS (TOP1 binding arginine/serine rich protein, E3 ubiquitin ligase; minus strand). Cytogenetic location: 9p21.1.
Variant type: single nucleotide variant.
Coding change: c.51A>C on transcript NM_005802.5 (MANE Select); coding-DNA position 51, A replaced by C.
Protein change: p.Glu17Asp; replaces glutamic acid 17 with aspartic acid.
Molecular consequence: missense variant. On other transcripts: intron variant (1).
Genome position (GRCh38, 1-based): chr9:32,550,921, T>G on the plus strand (A>C on the coding strand, the complement: TOPORS is on the minus strand). VCF-style: chr9-32550921-T-G. GRCh37 (hg19) VCF-style: chr9-32550919-T-G.
Other names: c.3+1513A>C (NM_001195622.2); c.51A>C (NM_005802.4); short protein forms E17D.
Identifiers: ClinVar variation 1351873 (VCV001351873.11), dbSNP rs778408216, ClinGen allele CA5020742.